The following is an entry in ClinVar:

ClinVar aggregate classification (germline): Uncertain significance (1 of 4 stars; one submission).

Conditions:
Dilated cardiomyopathy 1O (CMD1O). Also called: CARDIOMYOPATHY, DILATED, WITH VENTRICULAR TACHYCARDIA. Identifiers: Orphanet 154, MedGen C1837839, MONDO:0012062, OMIM 608569.

Submission:

Labcorp Genetics (formerly Invitae), Labcorp
Classification: Uncertain significance for Dilated cardiomyopathy 1O. Last evaluated: 2025-04-30. Review status: criteria provided, single submitter. Criteria: Invitae Variant Classification Sherloc (09022015). Collection method: clinical testing. Allele origin: germline.
Comment: This sequence change replaces tyrosine, which is neutral and polar, with cysteine, which is neutral and slightly polar, at codon 373 of the ABCC9 protein (p.Tyr373Cys). This variant is not present in population databases (gnomAD no frequency). This variant has not been reported in the literature in individuals affected with ABCC9-related conditions. Invitae Evidence Modeling of protein sequence and biophysical properties (such as structural, functional, and spatial information, amino acid conservation, physicochemical variation, residue mobility, and thermodynamic stability) indicates that this missense variant is expected to disrupt ABCC9 protein function with a positive predictive value of 95%. In summary, the available evidence is currently insufficient to determine the role of this variant in disease. Therefore, it has been classified as a Variant of Uncertain Significance.

NM_020297.4(ABCC9):c.1118A>G (p.Tyr373Cys)

Gene: ABCC9 (ATP binding cassette subfamily C member 9; minus strand). Cytogenetic location: 12p12.1.
Variant type: single nucleotide variant.
Coding change: c.1118A>G on transcript NM_020297.4 (MANE Select); coding-DNA position 1118, A replaced by G.
Protein change: p.Tyr373Cys; replaces tyrosine 373 with cysteine.
Molecular consequence: missense variant.
Genome position (GRCh38, 1-based): chr12:21,910,872, T>C on the plus strand (A>G on the coding strand, the complement: ABCC9 is on the minus strand). VCF-style: chr12-21910872-T-C. GRCh37 (hg19) VCF-style: chr12-22063806-T-C.
Other names: c.1118A>G, p.Tyr373Cys (NM_001377273.1, NM_005691.4); c.254A>G, p.Tyr85Cys (NM_001377274.1); short protein forms Y373C, Y85C.
Identifiers: ClinVar variation 4745815 (VCV004745815.1).
Genomic context (GRCh38, chr12:21,910,872, plus strand): 5'-CAGCCTTTACATACCAGCAGAGCTCCACGGAGGTTAATGCCAGTCTCTATGGTTACATAG[T>C]AGGAAGCCTGCAAAAATGTCCTTTGCAGAATAAGAGCCAAGAAGAGAAGAACTGCTAGAA-3'
Protein context (NP_064693.2, residues 363-383): ILQRTFLQAS[Tyr373Cys]YVTIETGINL